The following is an entry in ClinVar:

ClinVar aggregate classification (germline): Pathogenic. Review status: criteria provided, multiple submitters, no conflicts (2 of 4 stars). 2 submissions from 2 submitters: Pathogenic (2). Last evaluated 2025-09-18.

Conditions:
Treacher Collins syndrome 1 (TCS1). Also called: TCOF1-Related Treacher Collins Syndrome. Identifiers: Orphanet 861, MedGen CN315775, MONDO:0007944, OMIM 154500.

Submissions (2):

Dasa
Classification: Pathogenic. Last evaluated: 2025-09-18. Review status: criteria provided, single submitter. Criteria: DASA Assertion Criteria. Collection method: clinical testing. Allele origin: germline.
Comment: NM_001371623.1(TCOF1):c.1204C>T (p.Gln402*) introduces a premature termination codon predicted to result in loss of function. Loss-of-function is an established mechanism of disease for this gene. The variant has been reported in individuals with Treacher Collins syndrome and is absent or present at very low frequency in population datasets. Based on the available data, this variant is classified as pathogenic.

Centre for Mendelian Genomics, University Medical Centre Ljubljana
Classification: Pathogenic for Treacher Collins syndrome 1. Last evaluated: 2018-09-27. Review status: criteria provided, single submitter. Criteria: ACMG Guidelines, 2015. Collection method: clinical testing. Allele origin: unknown. Affected: yes.
Comment: This variant was classified as: Pathogenic. The following ACMG criteria were applied in classifying this variant: PVS1,PS1,PS3,PS4,PM2,PM4.

NM_001371623.1(TCOF1):c.1204C>T (p.Gln402Ter)

Gene: TCOF1 (treacle ribosome biogenesis factor 1; plus strand). Cytogenetic location: 5q32.
Variant type: single nucleotide variant.
Coding change: c.1204C>T on transcript NM_001371623.1 (MANE Select); coding-DNA position 1204, C replaced by T.
Protein change: p.Gln402Ter; replaces glutamine 402 with a stop codon.
Molecular consequence: nonsense.
Genome position (GRCh38, 1-based): chr5:150,374,737, C>T. VCF-style: chr5-150374737-C-T. GRCh37 (hg19) VCF-style: chr5-149754300-C-T.
Other names: c.973C>T, p.Gln325Ter (NM_000356.4, NM_001135245.2); c.1204C>T, p.Gln402Ter (NM_001008657.3, NM_001135243.2, NM_001135244.2 and 1 more transcripts); short protein forms Q325*, Q402*.
Identifiers: ClinVar variation 931320 (VCV000931320.4), dbSNP rs1763331046, ClinGen allele CA361744409.